The following is an entry in ClinVar:

ClinVar aggregate classification (germline): Likely benign (1 of 4 stars; one submission).

Allele frequency attached by ClinVar (database versions not stated): gnomAD exomes below 0.00001.
gnomAD v4.1: 1 of 1,550,994 alleles (0.000064%); highest among the groups gnomAD compares: South Asian, 0.0012%; no homozygotes.

Submission:

CeGaT Center for Human Genetics Tuebingen
Classification: Likely benign. Last evaluated: 2026-05-01. Review status: criteria provided, single submitter. Criteria: CeGaT Center For Human Genetics Tuebingen Variant Classification Criteria Version 2. Collection method: clinical testing. Allele origin: germline. Affected: yes. Observed: 2 variant alleles.
Comment: INSYN2B: BP4, BP7

NM_001129891.3(INSYN2B):c.1053C>T (p.Ala351=)

Genes: DOCK2 (dedicator of cytokinesis 2; plus strand), INSYN2B (inhibitory synaptic factor family member 2B; minus strand). Cytogenetic location: 5q35.1.
Variant type: single nucleotide variant.
Coding change: c.1053C>T on transcript NM_001129891.3 (MANE Select); coding-DNA position 1053, C replaced by T.
Protein change: p.Ala351=; no amino-acid change (alanine 351 retained).
Molecular consequence: synonymous variant. On other transcripts: intron variant (1).
Genome position (GRCh38, 1-based): chr5:169,882,846, G>A on the plus strand (C>T on the coding strand, the complement: INSYN2B is on the minus strand). VCF-style: chr5-169882846-G-A. GRCh37 (hg19) VCF-style: chr5-169309850-G-A.
Other names: c.1053C>T, p.Ala351= (NM_001346304.2); c.2799+41994G>A (NM_004946.3).
Identifiers: ClinVar variation 3234367 (VCV003234367.20), dbSNP rs2533428676, ClinGen allele CA447975573.